The following is an entry in ClinVar:

NM_004655.4(AXIN2):c.2355C>G (p.Ser785Arg)

Gene: AXIN2 (axin 2; minus strand). Cytogenetic location: 17q24.1.
Variant type: single nucleotide variant.
Coding change: c.2355C>G on transcript NM_004655.4 (MANE Select); coding-DNA position 2355, C replaced by G.
Protein change: p.Ser785Arg; replaces serine 785 with arginine.
Molecular consequence: missense variant.
Genome position (GRCh38, 1-based): chr17:65,533,962, G>C on the plus strand (C>G on the coding strand, the complement: AXIN2 is on the minus strand). VCF-style: chr17-65533962-G-C. GRCh37 (hg19) VCF-style: chr17-63530080-G-C.
Other names: c.2160C>G, p.Ser720Arg (NM_001363813.1); short protein forms S720R, S785R.
Identifiers: ClinVar variation 2566140 (VCV002566140.2), dbSNP rs1392240261, ClinGen allele CA400675428.

ClinVar aggregate classification (germline): Uncertain significance (1 of 4 stars; one submission).

Conditions:
Hereditary cancer-predisposing syndrome. Also called: Neoplastic Syndromes, Hereditary; Hereditary Cancer Syndrome; Hereditary neoplastic syndrome; Tumor predisposition. Identifiers: Orphanet 140162, MedGen C0027672, MeSH D009386, MONDO:0015356.

Submission:

Ambry Genetics
Classification: Uncertain significance for Hereditary cancer-predisposing syndrome. Last evaluated: 2023-06-05. Review status: criteria provided, single submitter. Criteria: Ambry Variant Classification Scheme 2023. Collection method: clinical testing. Allele origin: germline.
Comment: The p.S785R variant (also known as c.2355C>G), located in coding exon 9 of the AXIN2 gene, results from a C to G substitution at nucleotide position 2355. The serine at codon 785 is replaced by arginine, an amino acid with dissimilar properties. This amino acid position is conserved. In addition, this alteration is predicted to be tolerated by in silico analysis. Since supporting evidence is limited at this time, the clinical significance of this alteration remains unclear.